The following is an entry in ClinVar:

ClinVar aggregate classification (germline): Uncertain significance (1 of 4 stars; one submission).

Conditions:
Hereditary cancer-predisposing syndrome. Also called: Neoplastic Syndromes, Hereditary; Tumor predisposition; Hereditary neoplastic syndrome; Hereditary Cancer Syndrome. Identifiers: Orphanet 140162, MedGen C0027672, MeSH D009386, MONDO:0015356.

Submission:

Ambry Genetics
Classification: Uncertain significance for Hereditary cancer-predisposing syndrome. Last evaluated: 2026-07-15. Review status: criteria provided, single submitter. Criteria: Ambry Variant Classification Scheme 2023. Collection method: clinical testing. Allele origin: germline.
Comment: The p.Q299E variant (also known as c.895C>G), located in coding exon 3 of the PHOX2B gene, results from a C to G substitution at nucleotide position 895. The glutamine at codon 299 is replaced by glutamic acid, an amino acid with highly similar properties. This amino acid position is conserved. In addition, the in silico prediction for this alteration is inconclusive. Based on the available evidence, the clinical significance of this variant remains unclear.

NM_003924.4(PHOX2B):c.895C>G (p.Gln299Glu)

Gene: PHOX2B (paired like homeobox 2B; minus strand). Cytogenetic location: 4p13.
Variant type: single nucleotide variant.
Coding change: c.895C>G on transcript NM_003924.4 (MANE Select); coding-DNA position 895, C replaced by G.
Protein change: p.Gln299Glu; replaces glutamine 299 with glutamic acid.
Molecular consequence: missense variant.
Genome position (GRCh38, 1-based): chr4:41,745,857, G>C on the plus strand (C>G on the coding strand, the complement: PHOX2B is on the minus strand). VCF-style: chr4-41745857-G-C. GRCh37 (hg19) VCF-style: chr4-41747874-G-C.
Other names: short protein forms Q299E.
Identifiers: ClinVar variation 5026628 (VCV005026628.1).